The following is an entry in ClinVar:

NM_003105.6(SORL1):c.493G>A (p.Ala165Thr)

Genes: SORL1 (sortilin related receptor 1; plus strand), LOC105369535 (uncharacterized LOC105369535; minus strand). Cytogenetic location: 11q24.1.
Variant type: single nucleotide variant.
Coding change: c.493G>A on transcript NM_003105.6 (MANE Select); coding-DNA position 493, G replaced by A.
Protein change: p.Ala165Thr; replaces alanine 165 with threonine.
Molecular consequence: missense variant.
Genome position (GRCh38, 1-based): chr11:121,478,208, G>A. VCF-style: chr11-121478208-G-A. GRCh37 (hg19) VCF-style: chr11-121348917-G-A.
Other names: short protein forms A165T.
Identifiers: ClinVar variation 1376438 (VCV001376438.3), dbSNP rs369018073, ClinGen allele CA6328376.

ClinVar aggregate classification (germline): Uncertain significance (1 of 4 stars; one submission).

Allele frequency attached by ClinVar (database versions not stated): gnomAD exomes below 0.00001; ExAC 0.00001; gnomAD 0.00001; TOPMed 0.00002.
gnomAD v4.1: 25 of 1,614,066 alleles (0.0015%); highest among the groups gnomAD compares: Non-Finnish European, 0.0019%; no homozygotes.

Submission:

Labcorp Genetics (formerly Invitae), Labcorp
Classification: Uncertain significance. Last evaluated: 2021-09-04. Review status: criteria provided, single submitter. Criteria: Invitae Variant Classification Sherloc (09022015). Collection method: clinical testing. Allele origin: germline.
Comment: This sequence change replaces alanine with threonine at codon 165 of the SORL1 protein (p.Ala165Thr). The alanine residue is moderately conserved and there is a small physicochemical difference between alanine and threonine. This variant is present in population databases (rs369018073, ExAC 0.01%). This variant has not been reported in the literature in individuals affected with SORL1-related conditions. Algorithms developed to predict the effect of missense changes on protein structure and function (SIFT, PolyPhen-2, Align-GVGD) all suggest that this variant is likely to be tolerated. In summary, the available evidence is currently insufficient to determine the role of this variant in disease. Therefore, it has been classified as a Variant of Uncertain Significance.